The following is an entry in ClinVar:

NM_001385641.1(SAMD11):c.2059G>A (p.Val687Ile)

Genes: SAMD11 (sterile alpha motif domain containing 11; plus strand), LOC129929063 (ATAC-STARR-seq lymphoblastoid active region 4; plus strand). Cytogenetic location: 1p36.33.
Variant type: single nucleotide variant.
Coding change: c.2059G>A on transcript NM_001385641.1 (MANE Select); coding-DNA position 2059, G replaced by A.
Protein change: p.Val687Ile; replaces valine 687 with isoleucine.
Molecular consequence: missense variant.
Genome position (GRCh38, 1-based): chr1:943,258, G>A. VCF-style: chr1-943258-G-A. GRCh37 (hg19) VCF-style: chr1-878638-G-A.
Other names: c.2062G>A, p.Val688Ile (NM_001385640.1); c.1570G>A, p.Val524Ile (NM_152486.4); short protein forms V687I, V524I, V688I.
Identifiers: ClinVar variation 1492320 (VCV001492320.7), dbSNP rs200342492, ClinGen allele CA503124.

ClinVar aggregate classification (germline): Uncertain significance (1 of 4 stars; one submission).

Allele frequency attached by ClinVar (database versions not stated): gnomAD 0.00001.
gnomAD v4.1: 12 of 1,612,820 alleles (0.00074%); highest among the groups gnomAD compares: Non-Finnish European, 0.00093%; no homozygotes.

Submission:

Labcorp Genetics (formerly Invitae), Labcorp
Classification: Uncertain significance. Last evaluated: 2024-02-24. Review status: criteria provided, single submitter. Criteria: Invitae Variant Classification Sherloc (09022015). Collection method: clinical testing. Allele origin: germline.
Comment: This sequence change replaces valine, which is neutral and non-polar, with isoleucine, which is neutral and non-polar, at codon 524 of the SAMD11 protein (p.Val524Ile). This variant is present in population databases (rs200342492, gnomAD 0.005%). This variant has not been reported in the literature in individuals affected with SAMD11-related conditions. ClinVar contains an entry for this variant (Variation ID: 1492320). An algorithm developed to predict the effect of missense changes on protein structure and function (PolyPhen-2) suggests that this variant¬†is likely to be tolerated. In summary, the available evidence is currently insufficient to determine the role of this variant in disease. Therefore, it has been classified as a Variant of Uncertain Significance.